The following is an entry in ClinVar:

NM_003922.4(HERC1):c.-26-25134A>G

Gene: HERC1 (HECT and RLD domain containing E3 ubiquitin protein ligase family member 1; minus strand). Cytogenetic location: 15q22.31.
Variant type: single nucleotide variant.
Coding change: c.-26-25134A>G on transcript NM_003922.4 (MANE Select); 25134 bases into the intron before 26 bases upstream of the start codon, A replaced by G.
Molecular consequence: intron variant.
Genome position (GRCh38, 1-based): chr15:63,800,783, T>C on the plus strand (A>G on the coding strand, the complement: HERC1 is on the minus strand). VCF-style: chr15-63800783-T-C. GRCh37 (hg19) VCF-style: chr15-64092982-T-C.
Identifiers: ClinVar variation 996984 (VCV000996984.1), dbSNP rs964673768, ClinGen allele CA272127805.

ClinVar aggregate classification (germline): Uncertain significance (1 of 4 stars; one submission).

Conditions:
Macrocephaly, dysmorphic facies, and psychomotor retardation (MDFPMR). Identifiers: Orphanet 457359, MedGen C4310766, MONDO:0014863, OMIM 617011.

Allele frequency attached by ClinVar (database versions not stated): TOPMed 0.00004 and 0.00006; gnomAD 0.00005.
gnomAD v4.1: 7 of 152,192 alleles (0.0046%); highest among the groups gnomAD compares: Non-Finnish European, 0.0015%; no homozygotes.

Submission:

New York Genome Center
Classification: Uncertain significance for Macrocephaly, dysmorphic facies, and psychomotor retardation. Last evaluated: 2020-04-24. Review status: criteria provided, single submitter. Criteria: NYGC Assertion Criteria 2020. Collection method: clinical testing. Allele origin: maternal. Inheritance: Autosomal recessive inheritance. Observed: 1 compound heterozygote. Study: CSER-NYCKidSeq.
Comment: The inherited c.-26-25134A>G variant identified in the HERC1 gene substitutes a moderately conserved Adenine for Guanine (Thymine for Cytosine at the DNA level, on minus strand) within the first intron of HERC1. This variant is found with low frequency in gnomAD (7 heterozygotes, 0 homozygotes; allele frequency: 4.89e-5) suggesting it is not a common benign variant in the populations represented in those databases. The Transcript inferred Pathogenicity Score(TraP Score, v3.0) for this variant is 0.163, which is between 75-90%score-percentile for intronic variants, and Human Splicing Finder is not currently able to predict pathogenicity of the c.-26-25134A>G variant. This variant is absent from ClinVar and to our current knowledge has not been reported in affected individuals in the literature. Given the lack of compellingevidence for its pathogenicity, the inherited c.-26-25134A>G variant identified in the HERC1 gene is reported here as a Variant of Uncertain Significance